The following is an entry in ClinVar:

NM_004700.4(KCNQ4):c.1339C>T (p.Arg447Trp)

Gene: KCNQ4 (potassium voltage-gated channel subfamily Q member 4; plus strand). Cytogenetic location: 1p34.2.
Variant type: single nucleotide variant.
Coding change: c.1339C>T on transcript NM_004700.4 (MANE Select); coding-DNA position 1339, C replaced by T.
Protein change: p.Arg447Trp; replaces arginine 447 with tryptophan.
Molecular consequence: missense variant.
Genome position (GRCh38, 1-based): chr1:40,831,130, C>T. VCF-style: chr1-40831130-C-T. GRCh37 (hg19) VCF-style: chr1-41296802-C-T.
Other names: c.1177C>T, p.Arg393Trp (NM_172163.3); short protein forms R393W, R447W.
Identifiers: ClinVar variation 1700343 (VCV001700343.2), dbSNP rs758333323, ClinGen allele CA794864.

ClinVar aggregate classification (germline): Uncertain significance (1 of 4 stars; one submission).

Allele frequency attached by ClinVar (database versions not stated): gnomAD 0.00001; TOPMed 0.00001; gnomAD exomes 0.00003; ExAC 0.00006.
gnomAD v4.1: 37 of 1,609,882 alleles (0.0023%); highest among the groups gnomAD compares: East Asian, 0.016%; 1 homozygote.

Submission:

GeneDx
Classification: Uncertain significance. Last evaluated: 2022-02-08. Review status: criteria provided, single submitter. Criteria: GeneDx Variant Classification Process June 2021. Collection method: clinical testing. Allele origin: germline. Affected: yes.
Comment: In silico analysis supports that this missense variant does not alter protein structure/function; Has not been previously published as pathogenic or benign to our knowledge